The following is an entry in ClinVar:

Conditions:
Arteriohepatic dysplasia. Also called: Alagille Syndrome. Identifiers: Orphanet 52, MedGen C0085280, MeSH D016738, MONDO:0007318.

Submission:

Gilbert/Spinner Lab, Children's Hospital of Philadelphia
No classification provided (evidence only). Condition: Alagille syndrome. Review status: no classification provided. Collection method: research. Allele origin: not applicable. Functional consequence: functionally_abnormal.
ClinVar note: "not provided" was previously submitted as the classification for the variant. However, the classification appeared to be based only on an observation of functional data so it was converted to no classification on 2025-07-30.

NM_000214.3(JAG1):c.133G>C (p.Val45Leu)

Gene: JAG1 (jagged canonical Notch ligand 1; minus strand). Cytogenetic location: 20p12.2.
Variant type: single nucleotide variant.
Coding change: c.133G>C on transcript NM_000214.3 (MANE Select); coding-DNA position 133, G replaced by C.
Protein change: p.Val45Leu; replaces valine 45 with leucine.
Molecular consequence: missense variant.
Genome position (GRCh38, 1-based): chr20:10,672,955, C>G on the plus strand (G>C on the coding strand, the complement: JAG1 is on the minus strand). VCF-style: chr20-10672955-C-G. GRCh37 (hg19) VCF-style: chr20-10653603-C-G.
Other names: short protein forms V45L.
Identifiers: ClinVar variation 3573245 (VCV003573245.2).